The following is an entry in ClinVar:

NM_001377334.1(PIK3C2B):c.818C>A (p.Pro273His)

Gene: PIK3C2B (phosphatidylinositol-4-phosphate 3-kinase catalytic subunit type 2 beta; minus strand). Cytogenetic location: 1q32.1.
Variant type: single nucleotide variant.
Coding change: c.818C>A on transcript NM_001377334.1 (MANE Select); coding-DNA position 818, C replaced by A.
Protein change: p.Pro273His; replaces proline 273 with histidine.
Molecular consequence: missense variant.
Genome position (GRCh38, 1-based): chr1:204,468,985, G>T on the plus strand (C>A on the coding strand, the complement: PIK3C2B is on the minus strand). VCF-style: chr1-204468985-G-T. GRCh37 (hg19) VCF-style: chr1-204438113-G-T.
Other names: c.818C>A, p.Pro273His (NM_001377335.1, NM_002646.4); short protein forms P273H.
Identifiers: ClinVar variation 779399 (VCV000779399.29), dbSNP rs61740701, ClinGen allele CA1348279.
Genomic context (GRCh38, chr1:204,468,985, plus strand): 5'-TAGCGGGAGGCATAGGTGCGGGGGGGCACCTGAGGGGGCATAGTCTTGCTCCTGGCCACG[G>T]GTTTTCCAGAGGTGTCTTTGCTGAAGTCCAGCGGCCCTCGGCCCTCCTTCCAGCCCCTGG-3'
Protein context (NP_001364263.1, residues 263-283): LDFSKDTSGK[Pro273His]VARSKTMPPQ

ClinVar aggregate classification (germline): Benign/Likely benign. Review status: criteria provided, multiple submitters, no conflicts (2 of 4 stars). 4 submissions from 4 submitters: Benign (2); Likely benign (1). 1 of the submissions does not count toward it. Last evaluated 2023-03-01.

Conditions:
PIK3C2B-related disorder. Also called: PIK3C2B-related condition.

Allele frequency attached by ClinVar (database versions not stated): 1000 Genomes Project 0.00339; 1000 Genomes Project 30x 0.00375; TOPMed 0.00501; gnomAD 0.00565 and 0.00574; ESP Exome Variant Server 0.00607.
gnomAD v4.1: 11,560 of 1,614,200 alleles (0.72%); highest among the groups gnomAD compares: Non-Finnish European, 0.79%; 47 homozygotes.

Submissions (4):

CeGaT Center for Human Genetics Tuebingen
Classification: Likely benign. Last evaluated: 2023-03-01. Review status: criteria provided, single submitter. Criteria: CeGaT Center For Human Genetics Tuebingen Variant Classification Criteria Version 2. Collection method: clinical testing. Allele origin: germline. Affected: yes. Observed: 2 variant alleles.
Comment: PIK3C2B: BS2

Labcorp Genetics (formerly Invitae), Labcorp
Classification: Benign. Last evaluated: 2019-12-31. Review status: criteria provided, single submitter. Criteria: Invitae Variant Classification Sherloc (09022015). Collection method: clinical testing. Allele origin: germline.

Breakthrough Genomics
Classification: Benign. Review status: criteria provided, single submitter. Criteria: ACMG Guidelines, 2015. Collection method: not provided. Allele origin: germline. Inheritance: Unknown mechanism. Affected: yes.

PreventionGenetics, part of Exact Sciences
Classification: Benign for PIK3C2B-related condition. Last evaluated: 2024-06-27. Review status: no assertion criteria provided. Collection method: clinical testing. Allele origin: germline. Not counted in ClinVar's aggregate classification.
Comment: This variant is classified as benign based on ACMG/AMP sequence variant interpretation guidelines (Richards et al. 2015 PMID: 25741868, with internal and published modifications).